The following is an entry in ClinVar:

NM_001136035.4(TRMT1):c.1009G>A (p.Ala337Thr)

Gene: TRMT1 (tRNA methyltransferase 1; minus strand). Cytogenetic location: 19p13.13.
Variant type: single nucleotide variant.
Coding change: c.1009G>A on transcript NM_001136035.4 (MANE Select); coding-DNA position 1009, G replaced by A.
Protein change: p.Ala337Thr; replaces alanine 337 with threonine.
Molecular consequence: missense variant.
Genome position (GRCh38, 1-based): chr19:13,110,168, C>T on the plus strand (G>A on the coding strand, the complement: TRMT1 is on the minus strand). VCF-style: chr19-13110168-C-T. GRCh37 (hg19) VCF-style: chr19-13220982-C-T.
Other names: c.1009G>A, p.Ala337Thr (NM_001142554.3, NM_001351760.2, NM_017722.5); c.901G>A, p.Ala301Thr (NM_001351761.2); c.226G>A, p.Ala76Thr (NM_001351762.2); short protein forms A301T, A337T, A76T.
Identifiers: ClinVar variation 3329050 (VCV003329050.4).

ClinVar aggregate classification (germline): Uncertain significance. Review status: criteria provided, multiple submitters, no conflicts (2 of 4 stars). 2 submissions from 2 submitters: Uncertain significance (2). Last evaluated 2026-04-16.

Conditions:
Inborn genetic diseases. Identifiers: MedGen C0950123, MeSH D030342.

gnomAD v4.1: 31 of 1,612,162 alleles (0.0019%); highest among the groups gnomAD compares: African/African-American, 0.037%; no homozygotes.

Submissions (2):

Ambry Genetics
Classification: Uncertain significance for Inborn genetic diseases. Last evaluated: 2026-04-16. Review status: criteria provided, single submitter. Criteria: Ambry Variant Classification Scheme 2023. Collection method: clinical testing. Allele origin: germline.
Comment: The c.1009G>A (p.A337T) alteration is located in exon 7 (coding exon 7) of the TRMT1 gene. This alteration results from a G to A substitution at nucleotide position 1009, causing the alanine (A) at amino acid position 337 to be replaced by a threonine (T). Based on data from gnomAD, the A allele has an overall frequency of 0.003% (8/282220) total alleles studied. The highest observed frequency was 0.028% (7/24928) of African alleles. Based on insufficient or conflicting evidence, the clinical significance of this alteration remains unclear.

Dasa
Classification: Uncertain significance. Last evaluated: 2026-03-20. Review status: criteria provided, single submitter. Criteria: DASA Assertion Criteria. Collection method: clinical testing. Allele origin: germline.
Comment: NM_001136035.4(TRMT1):c.1009G>A (p.Ala337Thr) is a missense variant that results in the substitution of alanine with threonine. This variant is rare in population databases. Computational prediction algorithms are consistent with a benign effect. The currently available literature and clinical evidence are not sufficient to establish a definitive association between this variant and the reported condition. Therefore, this variant is classified as a variant of uncertain significance.